The following is an entry in ClinVar:

NM_002234.4(KCNA5):c.1688T>C (p.Phe563Ser)

Gene: KCNA5 (potassium voltage-gated channel subfamily A member 5; plus strand). Cytogenetic location: 12p13.32.
Variant type: single nucleotide variant.
Coding change: c.1688T>C on transcript NM_002234.4 (MANE Select); coding-DNA position 1688, T replaced by C.
Protein change: p.Phe563Ser; replaces phenylalanine 563 with serine.
Molecular consequence: missense variant.
Genome position (GRCh38, 1-based): chr12:5,045,835, T>C. VCF-style: chr12-5045835-T-C. GRCh37 (hg19) VCF-style: chr12-5155001-T-C.
Other names: short protein forms F563S.
Identifiers: ClinVar variation 4722412 (VCV004722412.1).

ClinVar aggregate classification (germline): Uncertain significance (1 of 4 stars; one submission).

Conditions:
Atrial fibrillation, familial, 7 (ATFB7). Identifiers: MedGen C2677106, MONDO:0012828, OMIM 612240.

Submission:

Labcorp Genetics (formerly Invitae), Labcorp
Classification: Uncertain significance for Atrial fibrillation, familial, 7. Last evaluated: 2025-06-30. Review status: criteria provided, single submitter. Criteria: Invitae Variant Classification Sherloc (09022015). Collection method: clinical testing. Allele origin: germline.
Comment: This sequence change replaces phenylalanine, which is neutral and non-polar, with serine, which is neutral and polar, at codon 563 of the KCNA5 protein (p.Phe563Ser). This variant is not present in population databases (gnomAD no frequency). This variant has not been reported in the literature in individuals affected with KCNA5-related conditions. An algorithm developed to predict the effect of missense changes on protein structure and function (PolyPhen-2) suggests that this variant is likely to be tolerated. In summary, the available evidence is currently insufficient to determine the role of this variant in disease. Therefore, it has been classified as a Variant of Uncertain Significance.